The following is an entry in ClinVar:

NM_032776.3(JMJD1C):c.168+9G>A

Genes: JMJD1C (jumonji domain containing 1C; minus strand), JMJD1C-AS1 (JMJD1C antisense RNA 1; plus strand). Cytogenetic location: 10q21.3.
Variant type: single nucleotide variant.
Coding change: c.168+9G>A on transcript NM_032776.3 (MANE Select); 9 bases into the intron after coding-DNA position 168, G replaced by A.
Molecular consequence: intron variant. On other transcripts: non-coding transcript variant (1).
Genome position (GRCh38, 1-based): chr10:63,465,486, C>T on the plus strand (G>A on the coding strand, the complement: JMJD1C is on the minus strand). VCF-style: chr10-63465486-C-T. GRCh37 (hg19) VCF-style: chr10-65225246-C-T.
Other names: c.-384+56252G>A (NM_001322258.2); c.-379+56252G>A (NM_001318154.2); c.168+9G>A (NM_001322252.2).
Identifiers: ClinVar variation 747234 (VCV000747234.13), dbSNP rs368307551, ClinGen allele CA5519186.
Genomic context (GRCh38, chr10:63,465,486, plus strand): 5'-CTGCAAGGTACGTCTGCGAGAGCCGGGTGCGGGCGCGGCAGGGGAAAAGGGGGGCGCTGA[C>T]TCTCTTACCGCCAGGTCCGGATTGCGGCTGTCCCTGTGTGACACGGCTCGGATGACCCCC-3'

ClinVar aggregate classification (germline): Likely benign. Review status: criteria provided, single submitter (1 of 4 stars). 2 submissions from 2 submitters: Likely benign (1). 1 of the submissions does not count toward it. Last evaluated 2023-07-19.

Conditions:
JMJD1C-related disorder. Also called: JMJD1C-related condition.
Early Myoclonic Encephalopathy. Identifiers: MedGen C0270855.

Allele frequency attached by ClinVar (database versions not stated): 1000 Genomes Project 30x 0.00047; gnomAD exomes 0.00007 and 0.00013; ESP Exome Variant Server 0.00041; gnomAD 0.00054 and 0.00056; ExAC 0.00016; 1000 Genomes Project 0.00060; TOPMed 0.00059.
gnomAD v4.1: 191 of 1,594,972 alleles (0.012%); highest among the groups gnomAD compares: African/African-American, 0.23%; 1 homozygote.

Submissions (2):

Labcorp Genetics (formerly Invitae), Labcorp
Classification: Likely benign for Early Myoclonic Encephalopathy. Last evaluated: 2023-07-19. Review status: criteria provided, single submitter. Criteria: Invitae Variant Classification Sherloc (09022015). Collection method: clinical testing. Allele origin: germline.

PreventionGenetics, part of Exact Sciences
Classification: Likely benign for JMJD1C-related condition. Last evaluated: 2023-06-06. Review status: no assertion criteria provided. Collection method: clinical testing. Allele origin: germline. Not counted in ClinVar's aggregate classification.
Comment: This variant is classified as likely benign based on ACMG/AMP sequence variant interpretation guidelines (Richards et al. 2015 PMID: 25741868, with internal and published modifications).